The following is an entry in ClinVar:

NM_002291.3(LAMB1):c.1718G>A (p.Arg573Gln)

Gene: LAMB1 (laminin subunit beta 1; minus strand). Cytogenetic location: 7q31.1.
Variant type: single nucleotide variant.
Coding change: c.1718G>A on transcript NM_002291.3 (MANE Select); coding-DNA position 1718, G replaced by A.
Protein change: p.Arg573Gln; replaces arginine 573 with glutamine.
Molecular consequence: missense variant.
Genome position (GRCh38, 1-based): chr7:107,963,044, C>T on the plus strand (G>A on the coding strand, the complement: LAMB1 is on the minus strand). VCF-style: chr7-107963044-C-T. GRCh37 (hg19) VCF-style: chr7-107603489-C-T.
Other names: short protein forms R573Q.
Identifiers: ClinVar variation 1975758 (VCV001975758.5), dbSNP rs1426501725, ClinGen allele CA368871413.

ClinVar aggregate classification (germline): Uncertain significance (1 of 4 stars; one submission).

Allele frequency attached by ClinVar (database versions not stated): gnomAD exomes 0.00001; gnomAD 0.00001; TOPMed 0.00001.
gnomAD v4.1: 13 of 1,613,288 alleles (0.00081%); highest among the groups gnomAD compares: East Asian, 0.0022%; no homozygotes.

Submission:

Labcorp Genetics (formerly Invitae), Labcorp
Classification: Uncertain significance. Last evaluated: 2025-08-04. Review status: criteria provided, single submitter. Criteria: Invitae Variant Classification Sherloc (09022015). Collection method: clinical testing. Allele origin: germline.
Comment: This sequence change replaces arginine, which is basic and polar, with glutamine, which is neutral and polar, at codon 573 of the LAMB1 protein (p.Arg573Gln). This variant is present in population databases (no rsID available, gnomAD 0.006%). This variant has not been reported in the literature in individuals affected with LAMB1-related conditions. ClinVar contains an entry for this variant (Variation ID: 1975758). An algorithm developed to predict the effect of missense changes on protein structure and function (PolyPhen-2) suggests that this variant is likely to be disruptive. In summary, the available evidence is currently insufficient to determine the role of this variant in disease. Therefore, it has been classified as a Variant of Uncertain Significance.